The following is an entry in ClinVar:

NM_004385.5(VCAN):c.4699G>A (p.Glu1567Lys)

Genes: VCAN-AS1 (VCAN antisense RNA 1; minus strand), VCAN (versican; plus strand). Cytogenetic location: 5q14.3.
Variant type: single nucleotide variant.
Coding change: c.4699G>A on transcript NM_004385.5 (MANE Select); coding-DNA position 4699, G replaced by A.
Protein change: p.Glu1567Lys; replaces glutamic acid 1567 with lysine.
Molecular consequence: missense variant. On other transcripts: intron variant (2).
Genome position (GRCh38, 1-based): chr5:83,537,702, G>A. VCF-style: chr5-83537702-G-A. GRCh37 (hg19) VCF-style: chr5-82833521-G-A.
Other names: c.1738G>A, p.Glu580Lys (NM_001164097.2); c.4004-7835G>A (NM_001164098.2); c.1043-7835G>A (NM_001126336.3); short protein forms E1567K, E580K.
Identifiers: ClinVar variation 2131489 (VCV002131489.4), dbSNP rs1746780288, ClinGen allele CA360308819.

ClinVar aggregate classification (germline): Uncertain significance (1 of 4 stars; one submission).

Submission:

Labcorp Genetics (formerly Invitae), Labcorp
Classification: Uncertain significance. Last evaluated: 2022-04-28. Review status: criteria provided, single submitter. Criteria: Invitae Variant Classification Sherloc (09022015). Collection method: clinical testing. Allele origin: germline.
Comment: In summary, the available evidence is currently insufficient to determine the role of this variant in disease. Therefore, it has been classified as a Variant of Uncertain Significance. Algorithms developed to predict the effect of missense changes on protein structure and function (SIFT, PolyPhen-2, Align-GVGD) all suggest that this variant is likely to be disruptive. This variant has not been reported in the literature in individuals affected with VCAN-related conditions. This variant is not present in population databases (gnomAD no frequency). This sequence change replaces glutamic acid, which is acidic and polar, with lysine, which is basic and polar, at codon 1567 of the VCAN protein (p.Glu1567Lys).